The following is an entry in ClinVar:

NM_000256.3(MYBPC3):c.2456T>C (p.Met819Thr)

Gene: MYBPC3 (myosin binding protein C3; minus strand). Cytogenetic location: 11p11.2.
Variant type: single nucleotide variant.
Coding change: c.2456T>C on transcript NM_000256.3 (MANE Select); coding-DNA position 2456, T replaced by C.
Protein change: p.Met819Thr; replaces methionine 819 with threonine.
Molecular consequence: missense variant.
Genome position (GRCh38, 1-based): chr11:47,337,537, A>G on the plus strand (T>C on the coding strand, the complement: MYBPC3 is on the minus strand). VCF-style: chr11-47337537-A-G. GRCh37 (hg19) VCF-style: chr11-47359088-A-G.
Other names: short protein forms M819T.
Identifiers: ClinVar variation 228866 (VCV000228866.18), dbSNP rs876657870, ClinGen allele CA10576887.
Genomic context (GRCh38, chr11:47,337,537, plus strand): 5'-CCCTCGATCATGCGCCGCGCTTCATGACTCAGCTCCTGAATCAGGTCGAAGTTCAGCCGC[A>G]TCCACCGGTAGCTCTTCTTCTTCTTGCGCTCCAGGATGTAGCCTGGCTCAGGGGAGGTGG-3'
Protein context (NP_000247.2, residues 809-829): ERKKKKSYRW[Met819Thr]RLNFDLIQEL

ClinVar aggregate classification (germline): Uncertain significance. Review status: criteria provided, multiple submitters, no conflicts (2 of 4 stars). 4 submissions from 4 submitters: Uncertain significance (4). Last evaluated 2025-11-26.

Conditions:
Cardiomyopathy (CMYO). Also called: Cardiomyopathies. Identifiers: Orphanet 167848, MedGen C0878544, MONDO:0004994, HP:0001638. Inheritance: Various modes of inheritance.
Hypertrophic cardiomyopathy. Also called: HYPERTROPHIC MYOCARDIOPATHY. Identifiers: Orphanet 217569, MedGen C0007194, MeSH D002312, MONDO:0005045, HP:0001639.

Allele frequency attached by ClinVar (database versions not stated): gnomAD exomes below 0.00001 and 0.00001.
gnomAD v4.1: 10 of 1,613,980 alleles (0.00062%); highest among the groups gnomAD compares: Non-Finnish European, 0.00085%; no homozygotes.

Submissions (4):

Labcorp Genetics (formerly Invitae), Labcorp
Classification: Uncertain significance for Hypertrophic cardiomyopathy. Last evaluated: 2025-11-26. Review status: criteria provided, single submitter. Criteria: Invitae Variant Classification Sherloc (09022015). Collection method: clinical testing. Allele origin: germline.
Comment: This sequence change replaces methionine, which is neutral and non-polar, with threonine, which is neutral and polar, at codon 819 of the MYBPC3 protein (p.Met819Thr). This variant is present in population databases (no rsID available, gnomAD 0.0009%). This missense change has been observed in individual(s) with hypertrophic cardiomyopathy (PMID: 32841044, 33782553). ClinVar contains an entry for this variant (Variation ID: 228866). An algorithm developed to predict the effect of missense changes on protein structure and function (PolyPhen-2) suggests that this variant is likely to be disruptive. In summary, the available evidence is currently insufficient to determine the role of this variant in disease. Therefore, it has been classified as a Variant of Uncertain Significance.

Color Diagnostics, LLC DBA Color Health
Classification: Uncertain significance for Cardiomyopathy. Last evaluated: 2024-11-05. Review status: criteria provided, single submitter. Criteria: ACMG Guidelines, 2015. Collection method: clinical testing. Allele origin: germline.
Comment: This missense variant replaces methionine with threonine at codon 819 of the MYBPC3 protein. Computational prediction tool is inconclusive regarding the impact of this variant on protein structure and function. To our knowledge, functional studies have not been reported for this variant. This variant has been reported in an individual affected with hypertrophic cardiomyopathy (PMID: 32841044, 33782553). This variant has been identified in 1/249246 chromosomes in the general population by the Genome Aggregation Database (gnomAD). The available evidence is insufficient to determine the role of this variant in disease conclusively. Therefore, this variant is classified as a Variant of Uncertain Significance.

All of Us Research Program, National Institutes of Health
Classification: Uncertain significance for Hypertrophic cardiomyopathy. Last evaluated: 2023-08-15. Review status: criteria provided, single submitter. Criteria: ACMG Guidelines, 2015. Collection method: clinical testing. Allele origin: germline. Inheritance: Autosomal dominant inheritance. Observed: 3 variant alleles, 3 heterozygotes.
Comment: This missense variant replaces methionine with threonine at codon 819 of the MYBPC3 protein. Computational prediction suggests that this variant may not impact protein structure and function (internally defined REVEL score threshold <= 0.5, PMID: 27666373). To our knowledge, functional studies have not been reported for this variant. This variant has been reported in an individual affected with hypertrophic cardiomyopathy (PMID: 32841044, 33782553). This variant has been identified in 1/249246 chromosomes in the general population by the Genome Aggregation Database (gnomAD). The available evidence is insufficient to determine the role of this variant in disease conclusively. Therefore, this variant is classified as a Variant of Uncertain Significance.

This study involves interpretation of variants in research participants for the purpose of population health screening. Participant phenotype was not available at the time of variant classification. Additional details can be found in publication PMID: 35346344, PMCID: PMC8962531

Laboratory for Molecular Medicine, Mass General Brigham Personalized Medicine
Classification: Uncertain significance. Last evaluated: 2016-03-17. Review status: criteria provided, single submitter. Criteria: LMM Criteria. Collection method: clinical testing. Allele origin: germline. Observed: 1 variant allele.
Comment: The p.Met819Thr variant in MYBPC3 has not been previously reported in individual s with cardiomyopathy or in large population studies. Computational prediction t ools and conservation analysis suggest that the p.Met819Thr variant may impact t he protein, though this information is not predictive enough to determine pathog enicity. In summary, the clinical significance of the p.Met819Thr variant is unc ertain.

Literature cited by the submitters: PubMed 32841044 (cited by 3 submitters); PubMed 33782553 (cited by 3 submitters).